The following is an entry in ClinVar:

NM_004333.6(BRAF):c.2128-10T>C

Gene: BRAF (B-Raf proto-oncogene, serine/threonine kinase; minus strand). Cytogenetic location: 7q34.
Variant type: single nucleotide variant.
Coding change: c.2128-10T>C on transcript NM_004333.6 (MANE Select); 10 bases into the intron before coding-DNA position 2128, T replaced by C.
Molecular consequence: intron variant.
Genome position (GRCh38, 1-based): chr7:140,734,780, A>G on the plus strand (T>C on the coding strand, the complement: BRAF is on the minus strand). VCF-style: chr7-140734780-A-G. GRCh37 (hg19) VCF-style: chr7-140434580-A-G.
Other names: c.2127+5032T>C (NM_001378474.1, NM_001378468.1); c.2026-10T>C (NM_001378470.1); c.1864-10T>C (NM_001378475.1); c.2017-10T>C (NM_001378471.1); c.2128-10T>C (NM_001354609.2); c.2248-10T>C (NM_001374258.1, NM_001374244.1); c.2137-10T>C (NM_001378467.1); c.1972-10T>C (NM_001378472.1, NM_001378473.1); and 1 more.
Identifiers: ClinVar variation 44819 (VCV000044819.11), dbSNP rs397516898, ClinGen allele CA135113.

ClinVar aggregate classification (germline): Likely benign. Review status: criteria provided, multiple submitters, no conflicts (2 of 4 stars). 2 submissions from 2 submitters: Likely benign (2). Last evaluated 2023-11-27.

Conditions:
RASopathy. Also called: rasopathies; Noonan spectrum disorder. Identifiers: Orphanet 536391, MedGen C5555857, MONDO:0021060.

Allele frequency attached by ClinVar (database versions not stated): gnomAD 0.00001; gnomAD exomes 0.00001; ExAC 0.00007; 1000 Genomes Project 0.00020.

Submissions (2):

Labcorp Genetics (formerly Invitae), Labcorp
Classification: Likely benign for RASopathy. Last evaluated: 2023-11-27. Review status: criteria provided, single submitter. Criteria: Invitae Variant Classification Sherloc (09022015). Collection method: clinical testing. Allele origin: germline.

Laboratory for Molecular Medicine, Mass General Brigham Personalized Medicine
Classification: Likely benign. Last evaluated: 2012-05-09. Review status: criteria provided, single submitter. Criteria: LMM Criteria. Collection method: clinical testing. Allele origin: germline. Observed: 1 variant allele.
Comment: 2128-10T>C in intron 17 of BRAF: This variant is located in the 3' splice region but does not affect the invariant -1 and -2 positions. Although positions -3 an d -5 to -12 are part of the splicing consensus sequence and variants involving t hese positions sometimes affect splicing, pathogenic splicing variants have not been reported in Noonan spectrum disorders. Therefore, this variant is likely to be benign.